The following is an entry in ClinVar:

ClinVar aggregate classification (germline): Uncertain significance (1 of 4 stars; one submission).

Submission:

Labcorp Genetics (formerly Invitae), Labcorp
Classification: Uncertain significance. Last evaluated: 2020-03-10. Review status: criteria provided, single submitter. Criteria: Invitae Variant Classification Sherloc (09022015). Collection method: clinical testing. Allele origin: germline.
Comment: In summary, the available evidence is currently insufficient to determine the role of this variant in disease. Therefore, it has been classified as a Variant of Uncertain Significance. Experimental studies and prediction algorithms are not available or were not evaluated, and the functional significance of this variant is currently unknown. This variant has not been reported in the literature in individuals with POLE-related conditions. This variant results in a copy number gain of the genomic region encompassing exons 1-22 of the POLE gene, which includes the initiator codon. The 5' end of this event is unknown as it extends beyond the assayed region for this gene and therefore may encompass additional genes. The 3' boundary is likely confined to intron 22 of the POLE gene. As the precise location of this event is unknown, it may be in tandem or it may be located elsewhere in the genome.

NC_000012.12:g.(?_132664360)_(132687315_?)dup

Gene: POLE (DNA polymerase epsilon, catalytic subunit; minus strand). Cytogenetic location: 12q24.33.
Variant type: Duplication.
Identifiers: ClinVar variation 833135 (VCV000833135.5).